The following is an entry in ClinVar:

ClinVar aggregate classification (germline): Uncertain significance (1 of 4 stars; one submission).

Conditions:
Hereditary cancer-predisposing syndrome. Also called: Neoplastic Syndromes, Hereditary; Tumor predisposition; Hereditary Cancer Syndrome; Hereditary neoplastic syndrome. Identifiers: Orphanet 140162, MedGen C0027672, MeSH D009386, MONDO:0015356.

Submission:

Ambry Genetics
Classification: Uncertain significance for Hereditary cancer-predisposing syndrome. Last evaluated: 2025-12-08. Review status: criteria provided, single submitter. Criteria: Ambry Variant Classification Scheme 2023. Collection method: clinical testing. Allele origin: germline.
Comment: The p.N1332D variant (also known as c.3994A>G), located in coding exon 20 of the BLM gene, results from an A to G substitution at nucleotide position 3994. The asparagine at codon 1332 is replaced by aspartic acid, an amino acid with highly similar properties. This amino acid position is conserved. In addition, this alteration is predicted to be tolerated by in silico analysis. Based on the available evidence, the clinical significance of this variant remains unclear.

NM_000057.4(BLM):c.3994A>G (p.Asn1332Asp)

Gene: BLM (BLM RecQ like helicase; plus strand). Cytogenetic location: 15q26.1.
Variant type: single nucleotide variant.
Coding change: c.3994A>G on transcript NM_000057.4 (MANE Select); coding-DNA position 3994, A replaced by G.
Protein change: p.Asn1332Asp; replaces asparagine 1332 with aspartic acid.
Molecular consequence: missense variant.
Genome position (GRCh38, 1-based): chr15:90,811,324, A>G. VCF-style: chr15-90811324-A-G. GRCh37 (hg19) VCF-style: chr15-91354554-A-G.
Other names: c.3994A>G, p.Asn1332Asp (NM_001287246.2); c.3601A>G, p.Asn1201Asp (NM_001287247.2); c.2869A>G, p.Asn957Asp (NM_001287248.2); short protein forms N1332D, N957D, N1201D.
Identifiers: ClinVar variation 4622905 (VCV004622905.1).